The following is an entry in ClinVar:

ClinVar aggregate classification (germline): Uncertain significance (1 of 4 stars; one submission).

Conditions:
Alkaptonuria (AKU). Also called: Homogentisic acidura; Alkaptonuric ochronosis; Alcaptonuria; HOMOGENTISIC ACID OXIDASE DEFICIENCY. Identifiers: Orphanet 56, MedGen C0002066, MONDO:0008753, OMIM 203500.

Allele frequency attached by ClinVar (database versions not stated): gnomAD 0.00001; ExAC 0.00003.
gnomAD v4.1: 31 of 1,577,934 alleles (0.002%); highest among the groups gnomAD compares: South Asian, 0.032%; 1 homozygote.

Submissions (2):

Labcorp Genetics (formerly Invitae), Labcorp
Classification: Uncertain significance for Alkaptonuria. Last evaluated: 2022-07-19. Review status: criteria provided, single submitter. Criteria: Invitae Variant Classification Sherloc (09022015). Collection method: clinical testing. Allele origin: germline.
Comment: This sequence change falls in intron 4 of the HGD gene. It does not directly change the encoded amino acid sequence of the HGD protein. This variant is present in population databases (rs752157530, gnomAD 0.02%). This variant has not been reported in the literature in individuals affected with HGD-related conditions. Algorithms developed to predict the effect of sequence changes on RNA splicing suggest that this variant may disrupt the consensus splice site. In summary, the available evidence is currently insufficient to determine the role of this variant in disease. Therefore, it has been classified as a Variant of Uncertain Significance.

Dr. Peter K. Rogan Lab, Western University
No classification provided (evidence only). Condition: Familial pancreatic carcinoma. Review status: no classification provided. Collection method: in vitro. Allele origin: not applicable. Functional consequence: skipped exon, retained intron. Not counted in ClinVar's aggregate classification.

NM_000187.4(HGD):c.283-18T>A

Gene: HGD (homogentisate 1,2-dioxygenase; minus strand). Cytogenetic location: 3q13.33.
Variant type: single nucleotide variant.
Coding change: c.283-18T>A on transcript NM_000187.4 (MANE Select); 18 bases into the intron before coding-DNA position 283, T replaced by A.
Molecular consequence: intron variant.
Genome position (GRCh38, 1-based): chr3:120,652,669, A>T on the plus strand (T>A on the coding strand, the complement: HGD is on the minus strand). VCF-style: chr3-120652669-A-T. GRCh37 (hg19) VCF-style: chr3-120371516-A-T.
Identifiers: ClinVar variation 2165865 (VCV002165865.2), dbSNP rs752157530, ClinGen allele CA2560274.